The following is an entry in ClinVar:

NM_014363.6(SACS):c.7673C>T (p.Ala2558Val)

Gene: SACS (sacsin molecular chaperone; minus strand). Cytogenetic location: 13q12.12.
Variant type: single nucleotide variant.
Coding change: c.7673C>T on transcript NM_014363.6 (MANE Select); coding-DNA position 7673, C replaced by T.
Protein change: p.Ala2558Val; replaces alanine 2558 with valine.
Molecular consequence: missense variant.
Genome position (GRCh38, 1-based): chr13:23,336,203, G>A on the plus strand (C>T on the coding strand, the complement: SACS is on the minus strand). VCF-style: chr13-23336203-G-A. GRCh37 (hg19) VCF-style: chr13-23910342-G-A.
Other names: c.7673C>T (NM_014363.5, NM_014363.4); c.7232C>T, p.Ala2411Val (NM_001278055.2); short protein forms A2411V, A2558V.
Identifiers: ClinVar variation 3575803 (VCV003575803.3).
Genomic context (GRCh38, chr13:23,336,203, plus strand): 5'-TCATCAAATATTCTATCAACTGGATGCTGTCTAGGATCAAACACAAAACAGATTTCTGTC[G>A]CCTTTGCATCATCAGCATTTTGAAGAAGCTCTTTCAACATTTCCTTTTCAGAAGGATATG-3'
Protein context (NP_055178.3, residues 2548-2568): ELLQNADDAK[Ala2558Val]TEICFVFDPR

ClinVar aggregate classification (germline): Conflicting classifications of pathogenicity. Review status: criteria provided, conflicting classifications (1 of 4 stars). 3 submissions from 3 submitters: Likely pathogenic (2); Uncertain significance (1). Last evaluated 2025-09-22.

Conditions:
Charlevoix-Saguenay spastic ataxia (SACS). Also called: SPASTIC ATAXIA 6, AUTOSOMAL RECESSIVE; AUTOSOMAL RECESSIVE SPASTIC ATAXIA OF CHARLEVOIX-SAGUENAY; Spastic ataxia of Charlevoix-Saguenay. Identifiers: Orphanet 98, MedGen C1849140, MONDO:0010041, OMIM 270550.
Inborn genetic diseases. Identifiers: MedGen C0950123, MeSH D030342.

gnomAD v4.1: 4 of 1,613,976 alleles (0.00025%); highest among the groups gnomAD compares: Non-Finnish European, 0.00025%; no homozygotes.

Submissions (3):

Natera, Inc.
Classification: Likely pathogenic for Charlevoix-Saguenay type spastic ataxia. Last evaluated: 2025-09-22. Review status: criteria provided, single submitter. Criteria: Natera Variant Classification Schema (03/2026). Collection method: clinical testing. Allele origin: germline.
Comment: The c.7673C>T variant in SACS is a missense variant predicted to cause substitution of alanine to valine at amino acid 2558. This variant is rare in the general population with a frequency below the threshold expected for the associated phenotype(s). This variant has been observed in one or more individuals affected with the associated recessive disease, as either homozygous or compound heterozygous with a second variant (PMID: 18439928). Additionally, this variant has been observed to segregate in affected family members (PMID: 18439928). Computational prediction algorithms indicate this variant is likely to affect gene or protein function. Given the available evidence, this variant is classified as Likely Pathogenic.

Ambry Genetics
Classification: Uncertain significance for Inborn genetic diseases. Last evaluated: 2025-05-13. Review status: criteria provided, single submitter. Criteria: Ambry Variant Classification Scheme 2023. Collection method: clinical testing. Allele origin: germline.

Fulgent Genetics
Classification: Likely pathogenic for Charlevoix-Saguenay spastic ataxia. Last evaluated: 2024-04-17. Review status: criteria provided, single submitter. Criteria: ACMG Guidelines, 2015. Collection method: clinical testing. Allele origin: germline.

Literature cited by the submitters: PubMed 18439928 (cited by Natera, Inc. and Ambry Genetics).